The following is an entry in ClinVar:

NM_002524.5(NRAS):c.5C>T (p.Thr2Ile)

Gene: NRAS (NRAS proto-oncogene, GTPase; minus strand). Cytogenetic location: 1p13.2.
Variant type: single nucleotide variant.
Coding change: c.5C>T on transcript NM_002524.5 (MANE Select); coding-DNA position 5, C replaced by T.
Protein change: p.Thr2Ile; replaces threonine 2 with isoleucine.
Molecular consequence: missense variant.
Genome position (GRCh38, 1-based): chr1:114,716,156, G>A on the plus strand (C>T on the coding strand, the complement: NRAS is on the minus strand). VCF-style: chr1-114716156-G-A. GRCh37 (hg19) VCF-style: chr1-115258777-G-A.
Other names: short protein forms T2I.
Identifiers: ClinVar variation 996245 (VCV000996245.1), dbSNP rs1659160002, ClinGen allele CA341742841.

ClinVar aggregate classification (germline): Uncertain significance (1 of 4 stars; one submission).

Submission:

Women's Health and Genetics/Laboratory Corporation of America, LabCorp
Classification: Uncertain significance. Last evaluated: 2021-01-28. Review status: criteria provided, single submitter. Criteria: LabCorp Variant Classification Summary - May 2015. Collection method: clinical testing. Allele origin: germline.
Comment: Variant summary: NRAS c.5C>T (p.Thr2Ile) results in a non-conservative amino acid change located in the Small GTP-binding protein domain (IPR005225) of the encoded protein sequence. Three of five in-silico tools predict a damaging effect of the variant on protein function. The variant was absent in 251494 control chromosomes. The available data on variant occurrences in the general population are insufficient to allow any conclusion about variant significance. To our knowledge, no occurrence of c.5C>T in individuals affected with Noonan Syndrome and no experimental evidence demonstrating its impact on protein function have been reported. No clinical diagnostic laboratories have submitted clinical-significance assessments for this variant to ClinVar after 2014. Based on the evidence outlined above, the variant was classified as uncertain significance.